The following is an entry in ClinVar:

NM_007294.4(BRCA1):c.3468T>C (p.Asp1156=)

Genes: BRCA1 (BRCA1 DNA repair associated; minus strand), LOC126862571 (BRD4-independent group 4 enhancer GRCh37_chr17:41243136-41244335; plus strand). Cytogenetic location: 17q21.31.
Variant type: single nucleotide variant.
Coding change: c.3468T>C on transcript NM_007294.4 (MANE Select); coding-DNA position 3468, T replaced by C.
Protein change: p.Asp1156=; no amino-acid change (aspartic acid 1156 retained).
Molecular consequence: synonymous variant. On other transcripts: intron variant (135).
Genome position (GRCh38, 1-based): chr17:43,092,063, A>G on the plus strand (T>C on the coding strand, the complement: BRCA1 is on the minus strand). VCF-style: chr17-43092063-A-G. GRCh37 (hg19) VCF-style: chr17-41244080-A-G.
Other names: c.864T>C, p.Asp288= (NM_001407969.1, NM_001407968.1); c.3327T>C, p.Asp1109= (NM_007297.4, NM_001407692.1, NM_001407694.1 and 29 more transcripts); c.3468T>C, p.Asp1156= (NM_007300.4, NM_001407581.1, NM_001407582.1 and 30 more transcripts); c.647-1031T>C (NM_001408458.1, NM_001408469.1, NM_001408453.1 and 11 more transcripts); c.284-1031T>C (NM_001408512.1); c.407-1031T>C (NM_001408510.1); c.644-1031T>C (NM_001408470.1, NM_001408464.1, NM_001408468.1 and 3 more transcripts); c.785-1031T>C (NM_001408397.1, NM_001408401.1, NM_001408396.1 and 13 more transcripts); and 41 more.
Identifiers: ClinVar variation 219540 (VCV000219540.16), dbSNP rs864622146, ClinGen allele CA349308.

ClinVar aggregate classification (germline): Likely benign. Review status: reviewed by expert panel (3 of 4 stars). 4 submissions from 4 submitters: Likely benign (1). 3 of the submissions do not count toward it. Last evaluated 2017-06-29.

Conditions:
Breast-ovarian cancer, familial, susceptibility to, 1 (BROVCA1). Also called: BRCA1 Hereditary Breast and Ovarian Cancer; OVARIAN CANCER, SUSCEPTIBILITY TO. Identifiers: Orphanet 145, MedGen C2676676, MONDO:0011450, OMIM 604370. Disease mechanism: loss of function.
Hereditary breast ovarian cancer syndrome. Also called: Breast and ovarian cancer; Hereditary breast and ovarian cancer; Hereditary breast and ovarian cancer syndrome; Hereditary breast and/or ovarian cancer syndrome; BRCA1- and BRCA2-Associated Hereditary Breast and Ovarian Cancer; Hereditary breast and ovarian cancer syndrome (HBOC). Identifiers: Orphanet 145, MedGen C0677776, MeSH D061325, MONDO:0003582. Disease mechanism: loss of function.
Hereditary cancer-predisposing syndrome. Also called: Tumor predisposition; Hereditary Cancer Syndrome; Neoplastic Syndromes, Hereditary; Hereditary neoplastic syndrome. Identifiers: Orphanet 140162, MedGen C0027672, MeSH D009386, MONDO:0015356.

Allele frequency attached by ClinVar (database versions not stated): gnomAD exomes 0.00002.
gnomAD v4.1: 24 of 1,614,052 alleles (0.0015%); highest among the groups gnomAD compares: Non-Finnish European, 0.002%; no homozygotes.

Submissions (4):

Evidence-based Network for the Interpretation of Germline Mutant Alleles (ENIGMA)
Classification: Likely benign for Breast-ovarian cancer, familial, susceptibility to, 1. Last evaluated: 2017-06-29. Review status: reviewed by expert panel. Criteria: ENIGMA BRCA1/2 Classification Criteria (2017-06-29). Collection method: curation. Allele origin: germline.
Comment: Synonymous substitution variant, with low bioinformatic likelihood to result in a splicing aberration (Splicing prior probability 0.02).

Labcorp Genetics (formerly Invitae), Labcorp
Classification: Likely benign for Hereditary breast ovarian cancer syndrome. Last evaluated: 2025-10-29. Review status: criteria provided, single submitter. Criteria: Invitae Variant Classification Sherloc (09022015). Collection method: clinical testing. Allele origin: germline. Not counted in ClinVar's aggregate classification.

Ambry Genetics
Classification: Likely benign for Hereditary cancer-predisposing syndrome. Last evaluated: 2024-10-12. Review status: criteria provided, single submitter. Criteria: Ambry Variant Classification Scheme 2023. Collection method: clinical testing. Allele origin: germline. Not counted in ClinVar's aggregate classification.

Sema4
Classification: Likely benign for Hereditary cancer-predisposing syndrome. Last evaluated: 2021-10-05. Review status: criteria provided, single submitter. Criteria: Sema4 Curation Guidelines. Collection method: curation. Allele origin: germline. Not counted in ClinVar's aggregate classification.